The following is an entry in ClinVar:

ClinVar aggregate classification (germline): Uncertain significance (1 of 4 stars; one submission).

Conditions:
PSKH1-related condition.

gnomAD v4.1: 14 of 1,614,040 alleles (0.00087%); highest among the groups gnomAD compares: African/African-American, 0.004%; no homozygotes.

Submission:

PreventionGenetics, part of Exact Sciences
Classification: Uncertain significance for PSKH1-related condition. Last evaluated: 2026-08-08. Review status: criteria provided, single submitter. Criteria: ACMG Guidelines, 2015. Collection method: clinical testing. Allele origin: germline.
Comment: The PSKH1 c.452G>A variant is predicted to result in the amino acid substitution p.Arg151His. To our knowledge, this variant has not been reported in the literature. This variant is reported in 0.0023% of alleles in individuals of European (Non-Finnish) descent in gnomAD. At this time, the clinical significance of this variant is uncertain due to the absence of conclusive functional and genetic evidence.

NM_006742.3(PSKH1):c.452G>A (p.Arg151His)

Gene: PSKH1 (protein serine kinase H1; plus strand). Cytogenetic location: 16q22.1.
Variant type: single nucleotide variant.
Coding change: c.452G>A on transcript NM_006742.3 (MANE Select); coding-DNA position 452, G replaced by A.
Protein change: p.Arg151His; replaces arginine 151 with histidine.
Molecular consequence: missense variant.
Genome position (GRCh38, 1-based): chr16:67,909,201, G>A. VCF-style: chr16-67909201-G-A. GRCh37 (hg19) VCF-style: chr16-67943104-G-A.
Other names: short protein forms R151H.
Identifiers: ClinVar variation 4979411 (VCV004979411.1).
Genomic context (GRCh38, chr16:67,909,201, plus strand): 5'-CCAAGTACCGGGAGGGGCGGGAGGTGTGTGAGTCGGAGCTGCGTGTGCTGCGTCGGGTGC[G>A]TCATGCCAACATCATCCAGCTGGTGGAGGTGTTCGAGACACAGGAGCGGGTGTACATGGT-3'
Protein context (NP_006733.1, residues 141-161): ESELRVLRRV[Arg151His]HANIIQLVEV